The following is an entry in ClinVar:

NM_144773.4(PROKR2):c.391G>A (p.Val131Ile)

Gene: PROKR2 (prokineticin receptor 2; minus strand). Cytogenetic location: 20p12.3.
Variant type: single nucleotide variant.
Coding change: c.391G>A on transcript NM_144773.4 (MANE Select); coding-DNA position 391, G replaced by A.
Protein change: p.Val131Ile; replaces valine 131 with isoleucine.
Molecular consequence: missense variant.
Genome position (GRCh38, 1-based): chr20:5,313,979, C>T on the plus strand (G>A on the coding strand, the complement: PROKR2 is on the minus strand). VCF-style: chr20-5313979-C-T. GRCh37 (hg19) VCF-style: chr20-5294625-C-T.
Other names: short protein forms V131I.
Identifiers: ClinVar variation 1895891 (VCV001895891.5), dbSNP rs374021985, ClinGen allele CA9754364.

ClinVar aggregate classification (germline): Uncertain significance (1 of 4 stars; one submission).

Allele frequency attached by ClinVar (database versions not stated): gnomAD exomes 0.00004; TOPMed 0.00005; ExAC 0.00008; ESP Exome Variant Server 0.00008; gnomAD 0.00008.

Submission:

Labcorp Genetics (formerly Invitae), Labcorp
Classification: Uncertain significance. Last evaluated: 2024-10-24. Review status: criteria provided, single submitter. Criteria: Invitae Variant Classification Sherloc (09022015). Collection method: clinical testing. Allele origin: germline.
Comment: This sequence change replaces valine, which is neutral and non-polar, with isoleucine, which is neutral and non-polar, at codon 131 of the PROKR2 protein (p.Val131Ile). This variant is present in population databases (rs374021985, gnomAD 0.07%). This variant has not been reported in the literature in individuals affected with PROKR2-related conditions. ClinVar contains an entry for this variant (Variation ID: 1895891). Invitae Evidence Modeling of protein sequence and biophysical properties (such as structural, functional, and spatial information, amino acid conservation, physicochemical variation, residue mobility, and thermodynamic stability) indicates that this missense variant is not expected to disrupt PROKR2 protein function with a negative predictive value of 80%. Studies have shown that this missense change alters PROKR2 gene expression (PMID: 29161432). In summary, the available evidence is currently insufficient to determine the role of this variant in disease. Therefore, it has been classified as a Variant of Uncertain Significance.

Literature cited by the submitters: PubMed 29161432.